The following is an entry in ClinVar:

ClinVar aggregate classification (germline): Benign/Likely benign. Review status: criteria provided, multiple submitters, no conflicts (2 of 4 stars). 7 submissions from 7 submitters: Benign (4); Likely benign (1). 2 of the submissions do not count toward it. Last evaluated 2026-01-28.

Conditions:
Autosomal recessive polycystic kidney disease (ARPKD). Also called: AR polycystic kidney disease. Identifiers: Orphanet 731, Orphanet 8378, MedGen C0085548, MeSH D017044, MONDO:0009889.
Polycystic kidney disease. Also called: Polycystic kidney dysplasia; Kidney, Polycystic. Identifiers: MedGen C0022680, MeSH D007690, MONDO:0020642, HP:0000113.

Allele frequency attached by ClinVar (database versions not stated): gnomAD 0.00001 and 0.00096; ESP Exome Variant Server 0.00008; TOPMed 0.00015; gnomAD exomes 0.00162 and 0.00344; ExAC 0.00385; 1000 Genomes Project 30x 0.00515; 1000 Genomes Project 0.00599.
gnomAD v4.1: 2,534 of 1,614,068 alleles (0.16%); highest among the groups gnomAD compares: South Asian, 2.6%; 48 homozygotes.

Submissions (7):

Labcorp Genetics (formerly Invitae), Labcorp
Classification: Benign for Autosomal recessive polycystic kidney disease. Last evaluated: 2026-01-28. Review status: criteria provided, single submitter. Criteria: Invitae Variant Classification Sherloc (09022015). Collection method: clinical testing. Allele origin: germline.

GeneDx
Classification: Benign. Last evaluated: 2021-05-11. Review status: criteria provided, single submitter. Criteria: GeneDx Variant Classification Process June 2021. Collection method: clinical testing. Allele origin: germline. Affected: yes.

Women's Health and Genetics/Laboratory Corporation of America, LabCorp
Classification: Benign. Last evaluated: 2018-10-12. Review status: criteria provided, single submitter. Criteria: LabCorp Variant Classification Summary - May 2015. Collection method: clinical testing. Allele origin: germline.
Comment: Variant summary: PKHD1 c.7873T>C alters a non-conserved nucleotide resulting in a synonymous change. 5/5 computational tools predict no significant impact on normal splicing. However, these predictions have yet to be confirmed by functional studies. The variant allele was found at a frequency of 0.0031 in 277116 control chromosomes, predominantly at a frequency of 0.027 within the South Asian subpopulation in the gnomAD database, including 14 homozygotes. The observed variant frequency within South Asian control individuals in the gnomAD database is approximately 4-folds higher than the estimated maximal expected allele frequency for a pathogenic variant in PKHD1 causing Polycystic Kidney and Hepatic Disease phenotype (0.0071), strongly suggesting that the variant is a benign polymorphism found primarily in populations of South Asian origin. To our knowledge, no occurrence of c.7873T>C in individuals affected with Polycystic Kidney and Hepatic Disease and no experimental evidence demonstrating its impact on protein function have been reported. No clinical diagnostic laboratories have submitted clinical-significance assessments for this variant to ClinVar after 2014. Based on the evidence outlined above, the variant was classified as benign.

Illumina Laboratory Services, Illumina
Classification: Benign for Polycystic kidney disease 4. Last evaluated: 2017-04-27. Review status: criteria provided, single submitter. Criteria: ICSL Variant Classification Criteria 13 December 2019. Collection method: clinical testing. Allele origin: germline.
Comment: This variant was observed as part of a predisposition screen in an ostensibly healthy population. A literature search was performed for the gene, cDNA change, and amino acid change (where applicable). No publications were found based on this search. Allele frequency data from public databases was too high to be consistent with this variant causing disease. Therefore, this variant is classified as benign.

PreventionGenetics, part of Exact Sciences
Classification: Likely benign. Review status: criteria provided, single submitter. Criteria: ACMG Guidelines, 2015. Collection method: clinical testing. Allele origin: germline.

Natera, Inc.
Classification: Benign for Autosomal recessive polycystic kidney disease. Last evaluated: 2017-05-11. Review status: no assertion criteria provided. Collection method: clinical testing. Allele origin: germline. Not counted in ClinVar's aggregate classification.

Department of Pathology and Laboratory Medicine, Sinai Health System
Classification: Likely benign for Polycystic Kidney disease. Review status: no assertion criteria provided. Collection method: clinical testing. Allele origin: unknown. Affected: yes. Study: The Canadian Open Genetics Repository (COGR). Not counted in ClinVar's aggregate classification.
Comment: The PKHD1 p.Leu2625= variant was not identified in the literature nor was it identified in the LOVD 3.0 database. The variant was identified in dbSNP (ID: rs140033417) as "With Likely benign allele", ClinVar (1x likely benign), and the RWTH AAachen University ARPKD database. The variant was also identified in control databases in 867 of 277116 chromosomes (16 homozygous) at a frequency of 0.003 increasing the likelihood this could be a low frequency benign variant (Genome Aggregation Database Feb 27, 2017). Breakdown of the observations by population include African in 2 of 24026 chromosomes (freq: 0.00008), Other in 13 of 6464 chromosomes (freq: 0.002), Latino in 2 of 34418 chromosomes (freq: 0.00006), European in 8 of 126612 chromosomes (freq: 0.00006), East Asian in 1 of 18870 chromosomes (freq: 0.00005), and South Asian in 841 of 30782 chromosomes (freq: 0.03). The variant was not observed in the Ashkenazi Jewish or Finnish, populations. The p.Leu2625= variant is not expected to have clinical significance because it does not result in a change of amino acid and is not located in a known consensus splice site. In addition, in silico or computational prediction software programs (SpliceSiteFinder, MaxEntScan, NNSPLICE, GeneSplicer, HumanSpliceFinder) do not predict a difference in splicing. In summary, based on the above information the clinical significance of this variant cannot be determined with certainty at this time although we would lean towards a more benign role for this variant. This variant is classified as likely benign.

NM_138694.4(PKHD1):c.7873T>C (p.Leu2625=)

Gene: PKHD1 (PKHD1 ciliary IPT domain containing fibrocystin/polyductin; minus strand). Cytogenetic location: 6p12.2.
Variant type: single nucleotide variant.
Coding change: c.7873T>C on transcript NM_138694.4 (MANE Select); coding-DNA position 7873, T replaced by C.
Protein change: p.Leu2625=; no amino-acid change (leucine 2625 retained).
Molecular consequence: synonymous variant.
Genome position (GRCh38, 1-based): chr6:51,855,931, A>G on the plus strand (T>C on the coding strand, the complement: PKHD1 is on the minus strand). VCF-style: chr6-51855931-A-G. GRCh37 (hg19) VCF-style: chr6-51720729-A-G.
Other names: c.7873T>C, p.Leu2625= (NM_170724.3).
Identifiers: ClinVar variation 262415 (VCV000262415.25), dbSNP rs140033417, ClinGen allele CA3851809.